The following is an entry in ClinVar:

ClinVar aggregate classification (germline): Uncertain significance. Review status: criteria provided, multiple submitters, no conflicts (2 of 4 stars). 2 submissions from 2 submitters: Uncertain significance (2). Last evaluated 2024-06-18.

Conditions:
Myopathy, centronuclear, 5 (CNM5). Identifiers: Orphanet 169186, MedGen C4014814, MONDO:0014418, OMIM 615959.

Allele frequency attached by ClinVar (database versions not stated): gnomAD 0.00001; TOPMed 0.00001; gnomAD exomes 0.00002.
gnomAD v4.1: 26 of 1,456,876 alleles (0.0018%); highest among the groups gnomAD compares: Non-Finnish European, 0.0022%; no homozygotes.

Submissions (2):

Revvity Omics, Revvity
Classification: Uncertain significance for Myopathy, centronuclear, 5. Last evaluated: 2024-06-18. Review status: criteria provided, single submitter. Criteria: ACMG Guidelines, 2015. Collection method: clinical testing. Allele origin: germline.

Labcorp Genetics (formerly Invitae), Labcorp
Classification: Uncertain significance. Last evaluated: 2022-01-06. Review status: criteria provided, single submitter. Criteria: Invitae Variant Classification Sherloc (09022015). Collection method: clinical testing. Allele origin: germline.
Comment: This sequence change replaces tryptophan, which is neutral and slightly polar, with cysteine, which is neutral and slightly polar, at codon 447 of the SPEG protein (p.Trp447Cys). This variant is present in population databases (no rsID available, gnomAD 0.003%). This variant has not been reported in the literature in individuals affected with SPEG-related conditions. Algorithms developed to predict the effect of missense changes on protein structure and function are either unavailable or do not agree on the potential impact of this missense change (SIFT: "Deleterious"; PolyPhen-2: "Possibly Damaging"; Align-GVGD: "Class C0"). In summary, the available evidence is currently insufficient to determine the role of this variant in disease. Therefore, it has been classified as a Variant of Uncertain Significance.

NM_005876.5(SPEG):c.1341G>T (p.Trp447Cys)

Gene: SPEG (striated muscle enriched protein kinase; plus strand). Cytogenetic location: 2q35.
Variant type: single nucleotide variant.
Coding change: c.1341G>T on transcript NM_005876.5 (MANE Select); coding-DNA position 1341, G replaced by T.
Protein change: p.Trp447Cys; replaces tryptophan 447 with cysteine.
Molecular consequence: missense variant.
Genome position (GRCh38, 1-based): chr2:219,448,499, G>T. VCF-style: chr2-219448499-G-T. GRCh37 (hg19) VCF-style: chr2-220313221-G-T.
Other names: short protein forms W447C.
Identifiers: ClinVar variation 1988174 (VCV001988174.2), dbSNP rs1398685997, ClinGen allele CA350718825.